The following is an entry in ClinVar:

ClinVar aggregate classification (germline): Uncertain significance. Review status: criteria provided, multiple submitters, no conflicts (2 of 4 stars). 3 submissions from 3 submitters: Uncertain significance (3). Last evaluated 2024-11-25.

Conditions:
Drash syndrome (DDS). Also called: NEPHROPATHY, WILMS TUMOR, AND GENITAL ANOMALIES; WILMS TUMOR AND PSEUDO- OR TRUE HERMAPHRODITISM. Identifiers: Orphanet 220, MedGen C0950121, MONDO:0008682, OMIM 194080.
Frasier syndrome. Identifiers: Orphanet 347, MedGen C0950122, MeSH D052159, MONDO:0007635, OMIM 136680.
Wilms tumor 1 (WT1). Also called: Wilms tumor, somatic. Identifiers: Orphanet 654, MedGen CN033288, MONDO:0008679, OMIM 194070.
11p partial monosomy syndrome (WAGR). Also called: WAGR Complex; WAGR Spectrum Disorder; WAGR syndrome; CHROMOSOME 11p13 DELETION SYNDROME. Identifiers: Orphanet 893, MedGen C0206115, MONDO:0008681, OMIM 194072.
Inborn genetic diseases. Identifiers: MedGen C0950123, MeSH D030342.

Submissions (3):

Ambry Genetics
Classification: Uncertain significance for Inborn genetic diseases. Last evaluated: 2024-11-25. Review status: criteria provided, single submitter. Criteria: Ambry Variant Classification Scheme 2023. Collection method: clinical testing. Allele origin: germline.
Comment: The p.S386R variant (also known as c.1158T>G), located in coding exon 7 of the WT1 gene, results from a T to G substitution at nucleotide position 1158. The serine at codon 386 is replaced by arginine, an amino acid with dissimilar properties. This amino acid position is conserved. In addition, this alteration is predicted to be tolerated by in silico analysis. Based on the available evidence, the clinical significance of this variant remains unclear.

Labcorp Genetics (formerly Invitae), Labcorp
Classification: Uncertain significance for Wilms tumor 1; Drash syndrome; 11p partial monosomy syndrome; Frasier syndrome. Last evaluated: 2023-09-11. Review status: criteria provided, single submitter. Criteria: Invitae Variant Classification Sherloc (09022015). Collection method: clinical testing. Allele origin: germline.
Comment: In summary, the available evidence is currently insufficient to determine the role of this variant in disease. Therefore, it has been classified as a Variant of Uncertain Significance. An algorithm developed to predict the effect of missense changes on protein structure and function (PolyPhen-2) suggests that this variant is likely to be disruptive. ClinVar contains an entry for this variant (Variation ID: 1707868). This variant has not been reported in the literature in individuals affected with WT1-related conditions. This variant is not present in population databases (gnomAD no frequency). This sequence change replaces serine, which is neutral and polar, with arginine, which is basic and polar, at codon 386 of the WT1 protein (p.Ser386Arg).

GeneDx
Classification: Uncertain significance. Last evaluated: 2022-03-31. Review status: criteria provided, single submitter. Criteria: GeneDx Variant Classification Process June 2021. Collection method: clinical testing. Allele origin: germline. Affected: yes.
Comment: Not observed at significant frequency in large population cohorts (gnomAD); In silico analysis supports that this missense variant does not alter protein structure/function; Has not been previously published as pathogenic or benign to our knowledge; Also known as c.1173T>G, p.(S391R); This variant is associated with the following publications: (PMID: 17361230)

NM_024426.6(WT1):c.1173T>G (p.Ser391Arg)

Gene: WT1 (WT1 transcription factor; minus strand). Cytogenetic location: 11p13.
Variant type: single nucleotide variant.
Coding change: c.1173T>G on transcript NM_024426.6 (MANE Select); coding-DNA position 1173, T replaced by G.
Protein change: p.Ser391Arg; replaces serine 391 with arginine.
Molecular consequence: missense variant. On other transcripts: 5 prime UTR variant (1), non-coding transcript variant (1).
Genome position (GRCh38, 1-based): chr11:32,396,348, A>C on the plus strand (T>G on the coding strand, the complement: WT1 is on the minus strand). VCF-style: chr11-32396348-A-C. GRCh37 (hg19) VCF-style: chr11-32417894-A-C.
Other names: c.1122T>G, p.Ser374Arg (NM_000378.6, NM_001407045.1, NM_001407048.1 and 1 more transcripts); c.522T>G, p.Ser174Arg (NM_001198551.2); c.471T>G, p.Ser157Arg (NM_001198552.2); c.-16T>G (NM_001367854.1); c.1167T>G, p.Ser389Arg (NM_001407044.1); c.1173T>G, p.Ser391Arg (NM_001407046.1, NM_024424.5); c.1050T>G, p.Ser350Arg (NM_001407047.1); c.999T>G, p.Ser333Arg (NM_001407050.1); and 2 more; short protein forms S137R, S157R, S174R, S333R, S350R, S369R, S374R, S386R.
Identifiers: ClinVar variation 1707868 (VCV001707868.6), dbSNP rs2132940815, ClinGen allele CA379959973.